The following is an entry in ClinVar:

NM_001282531.3(ADNP):c.2174C>T (p.Pro725Leu)

Gene: ADNP (activity dependent neuroprotector homeobox; minus strand). Cytogenetic location: 20q13.13.
Variant type: single nucleotide variant.
Coding change: c.2174C>T on transcript NM_001282531.3 (MANE Select); coding-DNA position 2174, C replaced by T.
Protein change: p.Pro725Leu; replaces proline 725 with leucine.
Molecular consequence: missense variant.
Genome position (GRCh38, 1-based): chr20:50,892,540, G>A on the plus strand (C>T on the coding strand, the complement: ADNP is on the minus strand). VCF-style: chr20-50892540-G-A. GRCh37 (hg19) VCF-style: chr20-49509077-G-A.
Other names: c.2174C>T, p.Pro725Leu (NM_001282532.2, NM_001347511.2, NM_015339.5 and 1 more transcripts); short protein forms P725L.
Identifiers: ClinVar variation 2871987 (VCV002871987.3), dbSNP rs750163423, ClinGen allele CA408971042.
Genomic context (GRCh38, chr20:50,892,540, plus strand): 5'-TTCTCTTCAAAGAAGCTGGGTGAATCACTATCATCATCTAACTTTCGTTTTTTCAGTAAG[G>A]GAAATTCCATTTGCTCGTAAGTGCGCTTCACAGGTGCCAGACTTGGAGACTGATTAAGCC-3'
Protein context (NP_001269460.1, residues 715-735): VKRTYEQMEF[Pro725Leu]LLKKRKLDDD

ClinVar aggregate classification (germline): Uncertain significance (1 of 4 stars; one submission).

Allele frequency attached by ClinVar (database versions not stated): TOPMed 0.00002; gnomAD 0.00003.
gnomAD v4.1: 34 of 1,614,030 alleles (0.0021%); highest among the groups gnomAD compares: Non-Finnish European, 0.0026%; no homozygotes.

Submission:

Labcorp Genetics (formerly Invitae), Labcorp
Classification: Uncertain significance. Last evaluated: 2023-10-28. Review status: criteria provided, single submitter. Criteria: Invitae Variant Classification Sherloc (09022015). Collection method: clinical testing. Allele origin: germline.
Comment: This sequence change replaces proline, which is neutral and non-polar, with leucine, which is neutral and non-polar, at codon 725 of the ADNP protein (p.Pro725Leu). This variant is present in population databases (no rsID available, gnomAD 0.004%). This variant has not been reported in the literature in individuals affected with ADNP-related conditions. An algorithm developed to predict the effect of missense changes on protein structure and function (PolyPhen-2) suggests that this variant is likely to be tolerated. In summary, the available evidence is currently insufficient to determine the role of this variant in disease. Therefore, it has been classified as a Variant of Uncertain Significance.